The following is an entry in ClinVar:

NM_000051.4(ATM):c.4802G>C (p.Ser1601Thr)

Gene: ATM (ATM serine/threonine kinase; plus strand). Cytogenetic location: 11q22.3.
Variant type: single nucleotide variant.
Coding change: c.4802G>C on transcript NM_000051.4 (MANE Select); coding-DNA position 4802, G replaced by C.
Protein change: p.Ser1601Thr; replaces serine 1601 with threonine.
Molecular consequence: missense variant.
Genome position (GRCh38, 1-based): chr11:108,294,952, G>C. VCF-style: chr11-108294952-G-C. GRCh37 (hg19) VCF-style: chr11-108165679-G-C.
Other names: c.4802G>C, p.Ser1601Thr (NM_001351834.2); short protein forms S1601T.
Identifiers: ClinVar variation 999024 (VCV000999024.6), dbSNP rs587782506, ClinGen allele CA382536433.

ClinVar aggregate classification (germline): Uncertain significance (1 of 4 stars; one submission).

Conditions:
Ataxia-telangiectasia syndrome (AT). Also called: Ataxia-telangiectasia, complementation group D; AT, COMPLEMENTATION GROUP C; ATAXIA-TELANGIECTASIA, FRESNO VARIANT; ATAXIA-TELANGIECTASIA, COMPLEMENTATION GROUP A; Ataxia-telangiectasia, complementation group E; Ataxia telangiectasia (A-T). Identifiers: Orphanet 100, MedGen C0004135, MONDO:0008840, OMIM 208900.

gnomAD v4.1: 1 of 1,613,818 alleles (0.000062%); highest among the groups gnomAD compares: Non-Finnish European, 0.000085%; no homozygotes.

Submission:

Labcorp Genetics (formerly Invitae), Labcorp
Classification: Uncertain significance for Ataxia-telangiectasia syndrome. Last evaluated: 2021-08-30. Review status: criteria provided, single submitter. Criteria: Invitae Variant Classification Sherloc (09022015). Collection method: clinical testing. Allele origin: germline.
Comment: This sequence change replaces serine with threonine at codon 1601 of the ATM protein (p.Ser1601Thr). The serine residue is moderately conserved and there is a small physicochemical difference between serine and threonine. This variant is not present in population databases (ExAC no frequency). This variant has not been reported in the literature in individuals affected with ATM-related conditions. Advanced modeling of protein sequence and biophysical properties (such as structural, functional, and spatial information, amino acid conservation, physicochemical variation, residue mobility, and thermodynamic stability) performed at Invitae indicates that this missense variant is not expected to disrupt ATM protein function. In summary, the available evidence is currently insufficient to determine the role of this variant in disease. Therefore, it has been classified as a Variant of Uncertain Significance.